The following is an entry in ClinVar:

ClinVar aggregate classification (germline): Likely benign (1 of 4 stars; one submission).

gnomAD v4.1: 374 of 1,606,122 alleles (0.023%); highest among the groups gnomAD compares: Non-Finnish European, 0.023%; no homozygotes.

Submission:

CeGaT Center for Human Genetics Tuebingen
Classification: Likely benign. Last evaluated: 2026-07-01. Review status: criteria provided, single submitter. Criteria: CeGaT Center For Human Genetics Tuebingen Variant Classification Criteria Version 2. Collection method: clinical testing. Allele origin: germline. Affected: yes. Observed: 1 variant allele.
Comment: HERC2: BP4, BP7

NM_004667.6(HERC2):c.13665C>T (p.Ala4555=)

Gene: HERC2 (HECT and RLD domain containing E3 ubiquitin protein ligase 2; minus strand). Cytogenetic location: 15q13.1.
Variant type: single nucleotide variant.
Coding change: c.13665C>T on transcript NM_004667.6 (MANE Select); coding-DNA position 13665, C replaced by T.
Protein change: p.Ala4555=; no amino-acid change (alanine 4555 retained).
Molecular consequence: synonymous variant.
Genome position (GRCh38, 1-based): chr15:28,115,486, G>A on the plus strand (C>T on the coding strand, the complement: HERC2 is on the minus strand). VCF-style: chr15-28115486-G-A. GRCh37 (hg19) VCF-style: chr15-28360632-G-A.
Identifiers: ClinVar variation 5038928 (VCV005038928.1).